The following is an entry in ClinVar:

NM_000051.4(ATM):c.8269-10G>A

Genes: ATM (ATM serine/threonine kinase; plus strand), C11orf65 (chromosome 11 open reading frame 65; minus strand). Cytogenetic location: 11q22.3.
Variant type: single nucleotide variant.
Coding change: c.8269-10G>A on transcript NM_000051.4 (MANE Select); 10 bases into the intron before coding-DNA position 8269, G replaced by A.
Molecular consequence: intron variant.
Genome position (GRCh38, 1-based): chr11:108,343,212, G>A. VCF-style: chr11-108343212-G-A. GRCh37 (hg19) VCF-style: chr11-108213939-G-A.
Other names: c.8269-10G>A (NM_001351834.2); c.641-34141C>T (NM_001330368.2); c.695-7920C>T (NM_001351110.2).
Identifiers: ClinVar variation 2730905 (VCV002730905.4), dbSNP rs2136938754, ClinGen allele CA2697558941.

ClinVar aggregate classification (germline): Likely benign. Review status: criteria provided, multiple submitters, no conflicts (2 of 4 stars). 2 submissions from 2 submitters: Likely benign (2). Last evaluated 2024-06-19.

Conditions:
Ataxia-telangiectasia syndrome (AT). Also called: LOUIS-BAR SYNDROME; Cerebello-oculocutaneous telangiectasia; Immunodeficiency with ataxia telangiectasia; Ataxia telangiectasia (A-T); Ataxia-telangiectasia, complementation group D; AT, COMPLEMENTATION GROUP C. Identifiers: Orphanet 100, MedGen C0004135, MONDO:0008840, OMIM 208900.
Familial cancer of breast. Also called: BREAST CANCER, FAMILIAL; Hereditary breast cancer; hereditary breast carcinoma. Identifiers: Orphanet 227535, MedGen C0346153, MONDO:0016419, OMIM 114480. Disease mechanism: loss of function.

Submissions (2):

Myriad Genetics, Inc.
Classification: Likely benign for Familial cancer of breast. Last evaluated: 2024-06-19. Review status: criteria provided, single submitter. Criteria: Myriad Autosomal Dominant, Autosomal Recessive and X-Linked Classification Criteria (2023). Collection method: clinical testing. Allele origin: unknown.
Comment: This variant is considered likely benign. This variant is intronic and is not expected to impact mRNA splicing.

Labcorp Genetics (formerly Invitae), Labcorp
Classification: Likely benign for Ataxia-telangiectasia syndrome. Last evaluated: 2023-06-27. Review status: criteria provided, single submitter. Criteria: Invitae Variant Classification Sherloc (09022015). Collection method: clinical testing. Allele origin: germline.